The following is an entry in ClinVar:

ClinVar aggregate classification (germline): Uncertain significance (1 of 4 stars; one submission).

Allele frequency attached by ClinVar (database versions not stated): ESP Exome Variant Server 0.00008.
gnomAD v4.1: 12 of 1,532,180 alleles (0.00078%); highest among the groups gnomAD compares: Non-Finnish European, 0.0011%; no homozygotes.

Submission:

Labcorp Genetics (formerly Invitae), Labcorp
Classification: Uncertain significance. Last evaluated: 2025-03-10. Review status: criteria provided, single submitter. Criteria: Invitae Variant Classification Sherloc (09022015). Collection method: clinical testing. Allele origin: germline.
Comment: This sequence change falls in intron 21 of the PROM1 gene. It does not directly change the encoded amino acid sequence of the PROM1 protein. The frequency data for this variant in the population databases is considered unreliable, as metrics indicate poor data quality at this position in the gnomAD database. This variant has been observed in individual(s) with retinitis pigmentosa (internal data). ClinVar contains an entry for this variant (Variation ID: 1897874). Algorithms developed to predict the effect of sequence changes on RNA splicing suggest that this variant may disrupt the consensus splice site. In summary, the available evidence is currently insufficient to determine the role of this variant in disease. Therefore, it has been classified as a Variant of Uncertain Significance.

NM_006017.3(PROM1):c.2281-8C>A

Gene: PROM1 (prominin 1; minus strand). Cytogenetic location: 4p15.32.
Variant type: single nucleotide variant.
Coding change: c.2281-8C>A on transcript NM_006017.3 (MANE Select); 8 bases into the intron before coding-DNA position 2281, C replaced by A.
Molecular consequence: intron variant.
Genome position (GRCh38, 1-based): chr4:15,984,363, G>T on the plus strand (C>A on the coding strand, the complement: PROM1 is on the minus strand). VCF-style: chr4-15984363-G-T. GRCh37 (hg19) VCF-style: chr4-15985986-G-T.
Other names: c.2254-8C>A (NM_001145848.2, NM_001145852.2, NM_001145847.2 and 4 more transcripts); c.2281-8C>A (NM_001145850.2, NM_001145849.2).
Identifiers: ClinVar variation 1897874 (VCV001897874.5), dbSNP rs368862821, ClinGen allele CA2866441.